The following is an entry in ClinVar:

ClinVar aggregate classification (germline): Uncertain significance (1 of 4 stars; one submission).

Submission:

GeneDx
Classification: Uncertain significance. Last evaluated: 2019-12-24. Review status: criteria provided, single submitter. Criteria: GeneDx Variant Classification Process June 2021. Collection method: clinical testing. Allele origin: germline. Affected: yes.
Comment: Not observed in large population cohorts (Lek et al., 2016); In silico analysis, which includes protein predictors and evolutionary conservation, supports a deleterious effect; Has not been previously published as pathogenic or benign to our knowledge

NM_000406.3(GNRHR):c.677T>C (p.Ile226Thr)

Gene: GNRHR (gonadotropin releasing hormone receptor; minus strand). Cytogenetic location: 4q13.2.
Variant type: single nucleotide variant.
Coding change: c.677T>C on transcript NM_000406.3 (MANE Select); coding-DNA position 677, T replaced by C.
Protein change: p.Ile226Thr; replaces isoleucine 226 with threonine.
Molecular consequence: missense variant. On other transcripts: synonymous variant (1).
Genome position (GRCh38, 1-based): chr4:67,744,633, A>G on the plus strand (T>C on the coding strand, the complement: GNRHR is on the minus strand). VCF-style: chr4-67744633-A-G. GRCh37 (hg19) VCF-style: chr4-68610351-A-G.
Other names: c.549T>C, p.His183= (NM_001012763.2); short protein forms I226T.
Identifiers: ClinVar variation 1310275 (VCV001310275.2), dbSNP rs2109983377, ClinGen allele CA357050454.